The following is an entry in ClinVar:

NM_006545.5(NPRL2):c.719A>G (p.Gln240Arg)

Gene: NPRL2 (NPR2 like, GATOR1 complex subunit; minus strand). Cytogenetic location: 3p21.31.
Variant type: single nucleotide variant.
Coding change: c.719A>G on transcript NM_006545.5 (MANE Select); coding-DNA position 719, A replaced by G.
Protein change: p.Gln240Arg; replaces glutamine 240 with arginine.
Molecular consequence: missense variant.
Genome position (GRCh38, 1-based): chr3:50,348,528, T>C on the plus strand (A>G on the coding strand, the complement: NPRL2 is on the minus strand). VCF-style: chr3-50348528-T-C. GRCh37 (hg19) VCF-style: chr3-50385959-T-C.
Other names: short protein forms Q240R.
Identifiers: ClinVar variation 2502544 (VCV002502544.1), dbSNP rs2470933403, ClinGen allele CA352949309.
Genomic context (GRCh38, chr3:50,348,528, plus strand): 5'-CCCTGGTCTGGTCCAGCCACATGATCCACTCTCCACTTAACCAAACCCAACTCACCTACC[T>C]GGAGGATGGACACCAGTGTCACAACGCCGTAGTACCTGAGAGAGAGAGCTGTGCTCAGCT-3'
Protein context (NP_006536.3, residues 230-250): YGVVTLVSIL[Gln240Arg]YSNVYCPTPK

ClinVar aggregate classification (germline): Uncertain significance (1 of 4 stars; one submission).

Submission:

GeneDx
Classification: Uncertain significance. Last evaluated: 2022-11-22. Review status: criteria provided, single submitter. Criteria: GeneDx Variant Classification Process June 2021. Collection method: clinical testing. Allele origin: germline. Affected: yes.
Comment: Not observed at significant frequency in large population cohorts (gnomAD); In silico analysis supports that this missense variant has a deleterious effect on protein structure/function; Has not been previously published as pathogenic or benign to our knowledge